The following is an entry in ClinVar:

NM_000540.3(RYR1):c.2335G>A (p.Val779Ile)

Gene: RYR1 (ryanodine receptor 1; plus strand). Cytogenetic location: 19q13.2.
Variant type: single nucleotide variant.
Coding change: c.2335G>A on transcript NM_000540.3 (MANE Select); coding-DNA position 2335, G replaced by A.
Protein change: p.Val779Ile; replaces valine 779 with isoleucine.
Molecular consequence: missense variant.
Genome position (GRCh38, 1-based): chr19:38,459,313, G>A. VCF-style: chr19-38459313-G-A. GRCh37 (hg19) VCF-style: chr19-38949953-G-A.
Other names: c.2335G>A, p.Val779Ile (NM_001042723.2); short protein forms V779I.
Identifiers: ClinVar variation 1809670 (VCV001809670.3), dbSNP rs2514049599, ClinGen allele CA405628174.

ClinVar aggregate classification (germline): Uncertain significance. Review status: criteria provided, multiple submitters, no conflicts (2 of 4 stars). 2 submissions from 2 submitters: Uncertain significance (2). Last evaluated 2024-08-06.

Conditions:
Malignant hyperthermia, susceptibility to, 1 (MHS1). Also called: Anesthesia related hyperthermia; Malignant hyperpyrexia; Fulminating hyperpyrexia; Pharmacogenic myopathy; RYR1-Related Malignant Hyperthermia Susceptibility; Malignant hyperthermia suceptibility 1. Identifiers: Orphanet 423, MedGen C2930980, MONDO:0007783, OMIM 145600.

Submissions (2):

All of Us Research Program, National Institutes of Health
Classification: Uncertain significance for Malignant hyperthermia, susceptibility to, 1. Last evaluated: 2024-08-06. Review status: criteria provided, single submitter. Criteria: ACMG Guidelines, 2015. Collection method: clinical testing. Allele origin: germline. Inheritance: Autosomal dominant inheritance. Observed: 1 variant allele, 1 heterozygote.
Comment: This study involves interpretation of variants in research participants for the purpose of population health screening. Participant phenotype was not available at the time of variant classification. Additional details can be found in publication PMID: 35346344, PMCID: PMC8962531

Dubai Health Genomic Medicine Center, Dubai Health
Classification: Uncertain significance. Last evaluated: 2022-12-17. Review status: criteria provided, single submitter. Criteria: ACMG Guidelines, 2015. Collection method: clinical testing. Allele origin: germline. Affected: yes.